The following is an entry in ClinVar:

NM_194248.3(OTOF):c.5392G>A (p.Asp1798Asn)

Gene: OTOF (otoferlin; minus strand). Cytogenetic location: 2p23.3.
Variant type: single nucleotide variant.
Coding change: c.5392G>A on transcript NM_194248.3 (MANE Select); coding-DNA position 5392, G replaced by A.
Protein change: p.Asp1798Asn; replaces aspartic acid 1798 with asparagine.
Molecular consequence: missense variant.
Genome position (GRCh38, 1-based): chr2:26,461,837, C>T on the plus strand (G>A on the coding strand, the complement: OTOF is on the minus strand). VCF-style: chr2-26461837-C-T. GRCh37 (hg19) VCF-style: chr2-26684705-C-T.
Other names: c.5392G>A, p.Asp1798Asn (NM_001287489.2); c.3091G>A, p.Asp1031Asn (NM_004802.4, NM_194323.3); c.3322G>A, p.Asp1108Asn (NM_194322.3); short protein forms D1031N, D1108N, D1798N.
Identifiers: ClinVar variation 3600955 (VCV003600955.1).

ClinVar aggregate classification (germline): Uncertain significance (1 of 4 stars; one submission).

Submission:

GeneDx
Classification: Uncertain significance. Last evaluated: 2024-07-25. Review status: criteria provided, single submitter. Criteria: GeneDx Variant Classification Process June 2021. Collection method: clinical testing. Allele origin: germline. Affected: yes.
Comment: Not observed at significant frequency in large population cohorts (gnomAD); In silico analysis supports that this missense variant has a deleterious effect on protein structure/function; Has not been previously published as pathogenic or benign to our knowledge